The following is an entry in ClinVar:

ClinVar aggregate classification (germline): Uncertain significance. Review status: criteria provided, multiple submitters, no conflicts (2 of 4 stars). 2 submissions from 2 submitters: Uncertain significance (2). Last evaluated 2022-12-01.

Conditions:
Intellectual developmental disorder, autosomal dominant 45. Also called: Intellectual disability, autosomal dominant 45; MENTAL RETARDATION, AUTOSOMAL DOMINANT 45. Identifiers: MedGen C4539848, MONDO:0030910, OMIM 617600.

Allele frequency attached by ClinVar (database versions not stated): gnomAD exomes 0.00001; TOPMed 0.00001.
gnomAD v4.1: 13 of 1,612,888 alleles (0.00081%); highest among the groups gnomAD compares: Admixed American, 0.0033%; no homozygotes.

Submissions (2):

CeGaT Center for Human Genetics Tuebingen
Classification: Uncertain significance. Last evaluated: 2022-12-01. Review status: criteria provided, single submitter. Criteria: CeGaT Center For Human Genetics Tuebingen Variant Classification Criteria Version 2. Collection method: clinical testing. Allele origin: germline. Affected: yes. Observed: 1 variant allele.
Comment: CIC: PM2

Victorian Clinical Genetics Services, Murdoch Childrens Research Institute
Classification: Uncertain significance for Intellectual developmental disorder, autosomal dominant 45. Last evaluated: 2020-10-19. Review status: criteria provided, single submitter. Criteria: ACMG Guidelines, 2015. Collection method: clinical testing. Allele origin: germline. Inheritance: Autosomal dominant inheritance. Affected: yes.
Comment: Based on the classification scheme VCGS_Germline_v1.3.3, this variant is classified as 3B-VUS. Following criteria are met: 0102 - Loss of function is a known mechanism of disease in this gene and is associated with CIC-related intellectual disability. (I) 0107 - This gene is associated with autosomal dominant disease. (I) 0200 - Variant is predicted to result in a missense amino acid change from leucine to phenylalanine. (I) 0251 - This variant is heterozygous. (I) 0301 - Variant is absent from gnomAD (both v2 and v3). (SP) 0502 - Missense variant with conflicting in silico predictions and uninformative conservation. (I) 0604 - Variant is not located in an established domain, motif, hotspot or informative constraint region. (I) 0705 - No comparable missense variants have previous evidence for pathogenicity. (I) 0807 - This variant has no previous evidence of pathogenicity. (I) 0905 - No published segregation evidence has been identified for this variant. (I) 1007 - No published functional evidence has been identified for this variant. (I) 1208 - Inheritance information for this variant is not currently available in this individual. (I) Legend: (SP) - Supporting pathogenic, (I) - Information, (SB) - Supporting benign

NM_001386298.1(CIC):c.5323C>T (p.Leu1775Phe)

Gene: CIC (capicua transcriptional repressor; plus strand). Cytogenetic location: 19q13.2.
Variant type: single nucleotide variant.
Coding change: c.5323C>T on transcript NM_001386298.1 (MANE Select); coding-DNA position 5323, C replaced by T.
Protein change: p.Leu1775Phe; replaces leucine 1775 with phenylalanine.
Molecular consequence: missense variant.
Genome position (GRCh38, 1-based): chr19:42,291,364, C>T. VCF-style: chr19-42291364-C-T. GRCh37 (hg19) VCF-style: chr19-42795516-C-T.
Other names: c.5323C>T, p.Leu1775Phe (NM_001304815.2, NM_001379480.1, NM_001379482.1 and 1 more transcripts); c.2596C>T, p.Leu866Phe (NM_001379484.1, NM_001379485.1, NM_015125.5); short protein forms L1775F, L866F.
Identifiers: ClinVar variation 1805336 (VCV001805336.25), dbSNP rs921993639, ClinGen allele CA308630881.
Genomic context (GRCh38, chr19:42,291,364, plus strand): 5'-CCTGGGACCAAGGCAGCGGCTCCCAGCGGCCCTGCACCCACCACCAGCATCCGTTTCACC[C>T]TCCCACCGGGCACTTCCACCAACGGCAAAGTCCTGGCTGCCACTGCACCCACTCCTGGCA-3'
Protein context (NP_001373227.1, residues 1765-1785): PAPTTSIRFT[Leu1775Phe]PPGTSTNGKV